The following is an entry in ClinVar:

NM_000257.4(MYH7):c.2419C>G (p.Arg807Gly)

Genes: MYH7 (myosin heavy chain 7; minus strand), LOC126861898 (BRD4-independent group 4 enhancer GRCh37_chr14:23893609-23894808; plus strand). Cytogenetic location: 14q11.2.
Variant type: single nucleotide variant.
Coding change: c.2419C>G on transcript NM_000257.4 (MANE Select); coding-DNA position 2419, C replaced by G.
Protein change: p.Arg807Gly; replaces arginine 807 with glycine.
Molecular consequence: missense variant.
Genome position (GRCh38, 1-based): chr14:23,425,286, G>C on the plus strand (C>G on the coding strand, the complement: MYH7 is on the minus strand). VCF-style: chr14-23425286-G-C. GRCh37 (hg19) VCF-style: chr14-23894495-G-C.
Other names: short protein forms R807G.
Identifiers: ClinVar variation 1404330 (VCV001404330.9), dbSNP rs2138666871, ClinGen allele CA389048456.

ClinVar aggregate classification (germline): Uncertain significance (1 of 4 stars; one submission).

Conditions:
Hypertrophic cardiomyopathy. Also called: HYPERTROPHIC MYOCARDIOPATHY. Identifiers: Orphanet 217569, MedGen C0007194, MeSH D002312, MONDO:0005045, HP:0001639.

Submission:

Labcorp Genetics (formerly Invitae), Labcorp
Classification: Uncertain significance for Hypertrophic cardiomyopathy. Last evaluated: 2020-12-27. Review status: criteria provided, single submitter. Criteria: Invitae Variant Classification Sherloc (09022015). Collection method: clinical testing. Allele origin: germline.
Comment: In summary, the available evidence is currently insufficient to determine the role of this variant in disease. Therefore, it has been classified as a Variant of Uncertain Significance. This variant is found within a region of MYH7 between codons 181 and 937 that contains the majority of the myosin head domain. Missense variants in this region have been shown to be significantly overrepresented in individuals with hypertrophic cardiomyopathy (PMID: 27532257). Algorithms developed to predict the effect of sequence changes on RNA splicing suggest that this variant may create or strengthen a splice site, but this prediction has not been confirmed by published transcriptional studies. Algorithms developed to predict the effect of missense changes on protein structure and function are either unavailable or do not agree on the potential impact of this missense change (SIFT: "Deleterious"; PolyPhen-2: "Benign"; Align-GVGD: "Class C65"). This variant has been observed in individual(s) with left ventricular noncompaction (PMID: 30471092). This variant is not present in population databases (ExAC no frequency). This sequence change replaces arginine with glycine at codon 807 of the MYH7 protein (p.Arg807Gly). The arginine residue is highly conserved and there is a moderate physicochemical difference between arginine and glycine.

Literature cited by the submitters: PubMed 27532257; PubMed 30471092.